The following is an entry in ClinVar:

ClinVar aggregate classification (germline): Uncertain significance (1 of 4 stars; one submission).

Conditions:
Hereditary cancer-predisposing syndrome. Also called: Neoplastic Syndromes, Hereditary; Tumor predisposition; Hereditary Cancer Syndrome; Hereditary neoplastic syndrome. Identifiers: Orphanet 140162, MedGen C0027672, MeSH D009386, MONDO:0015356.

gnomAD v4.1: 1 of 1,613,980 alleles (0.000062%); highest among the groups gnomAD compares: Non-Finnish European, 0.000085%; no homozygotes.

Submission:

Color Diagnostics, LLC DBA Color Health
Classification: Uncertain significance for Hereditary cancer-predisposing syndrome. Last evaluated: 2023-08-30. Review status: criteria provided, single submitter. Criteria: ACMG Guidelines, 2015. Collection method: clinical testing. Allele origin: germline.
Comment: This missense variant replaces asparagine with lysine at codon 1903 of the APC protein. Computational prediction suggests that this variant may not impact protein structure and function (internally defined REVEL score threshold <= 0.5, PMID: 27666373). To our knowledge, functional studies have not been reported for this variant. This variant has not been reported in individuals affected with APC-related disorders in the literature. This variant has been identified in 1/250732 chromosomes in the general population by the Genome Aggregation Database (gnomAD). The available evidence is insufficient to determine the role of this variant in disease conclusively. Therefore, this variant is classified as a Variant of Uncertain Significance.

NM_000038.6(APC):c.5709C>A (p.Asn1903Lys)

Gene: APC (APC regulator of Wnt signaling pathway; plus strand). Cytogenetic location: 5q22.2.
Variant type: single nucleotide variant.
Coding change: c.5709C>A on transcript NM_000038.6 (MANE Select); coding-DNA position 5709, C replaced by A.
Protein change: p.Asn1903Lys; replaces asparagine 1903 with lysine.
Molecular consequence: missense variant. On other transcripts: non-coding transcript variant (2).
Genome position (GRCh38, 1-based): chr5:112,841,303, C>A. VCF-style: chr5-112841303-C-A. GRCh37 (hg19) VCF-style: chr5-112177000-C-A.
Other names: c.5709C>A, p.Asn1903Lys (NM_001127510.3, NM_001354895.2, NM_001407450.1); c.5655C>A, p.Asn1885Lys (NM_001127511.3); c.5763C>A, p.Asn1921Lys (NM_001354896.2, NM_001407447.1, NM_001407448.1 and 1 more transcripts); c.5739C>A, p.Asn1913Lys (NM_001354897.2); c.5634C>A, p.Asn1878Lys (NM_001354898.2); c.5625C>A, p.Asn1875Lys (NM_001354899.2); c.5586C>A, p.Asn1862Lys (NM_001354900.2); c.5532C>A, p.Asn1844Lys (NM_001354901.2, NM_001407453.1); and 11 more; short protein forms N1743K, N1844K, N1875K, N1885K, N1893K, N1896K, N1903K, N1620K.
Identifiers: ClinVar variation 2775327 (VCV002775327.2), dbSNP rs1371378897, ClinGen allele CA16033827.
Genomic context (GRCh38, chr5:112,841,303, plus strand): 5'-GGCAAAAGAAAATAAGGAATCAGAGGCTAAAGTTACCAGCCACACAGAACTAACCTCCAA[C>A]CAACAATCAGCTAATAAGACACAAGCTATTGCAAAGCAGCCAATAAATCGAGGTCAGCCT-3'
Protein context (NP_000029.2, residues 1893-1913): KVTSHTELTS[Asn1903Lys]QQSANKTQAI